The following is an entry in ClinVar:

ClinVar aggregate classification (germline): Uncertain significance (1 of 4 stars; one submission).

gnomAD v4.1: 3 of 1,614,142 alleles (0.00019%); highest among the groups gnomAD compares: South Asian, 0.0011%; no homozygotes.

Submission:

Ambry Genetics
Classification: Uncertain significance. Last evaluated: 2025-04-22. Review status: criteria provided, single submitter. Criteria: Ambry Variant Classification Scheme 2023. Collection method: clinical testing. Allele origin: germline.
Comment: The p.L230V variant (also known as c.688C>G), located in coding exon 1 of the TET2 gene, results from a C to G substitution at nucleotide position 688. The leucine at codon 230 is replaced by valine, an amino acid with highly similar properties. This amino acid position is conserved. In addition, this alteration is predicted to be tolerated by in silico analysis. Based on the available evidence, the clinical significance of this variant remains unclear.

NM_001127208.3(TET2):c.688C>G (p.Leu230Val)

Genes: TET2 (tet methylcytosine dioxygenase 2; plus strand), TET2-AS1 (TET2 antisense RNA 1; minus strand). Cytogenetic location: 4q24.
Variant type: single nucleotide variant.
Coding change: c.688C>G on transcript NM_001127208.3 (MANE Select); coding-DNA position 688, C replaced by G.
Protein change: p.Leu230Val; replaces leucine 230 with valine.
Molecular consequence: missense variant.
Genome position (GRCh38, 1-based): chr4:105,234,630, C>G. VCF-style: chr4-105234630-C-G. GRCh37 (hg19) VCF-style: chr4-106155787-C-G.
Other names: c.688C>G, p.Leu230Val (NM_017628.4); short protein forms L230V.
Identifiers: ClinVar variation 3967582 (VCV003967582.1).